The following is an entry in ClinVar:

NM_015910.7(WDPCP):c.1180G>C (p.Val394Leu)

Gene: WDPCP (WD repeat containing planar cell polarity effector; minus strand). Cytogenetic location: 2p15.
Variant type: single nucleotide variant.
Coding change: c.1180G>C on transcript NM_015910.7 (MANE Select); coding-DNA position 1180, G replaced by C.
Protein change: p.Val394Leu; replaces valine 394 with leucine.
Molecular consequence: missense variant. On other transcripts: non-coding transcript variant (3).
Genome position (GRCh38, 1-based): chr2:63,404,303, C>G on the plus strand (G>C on the coding strand, the complement: WDPCP is on the minus strand). VCF-style: chr2-63404303-C-G. GRCh37 (hg19) VCF-style: chr2-63631438-C-G.
Other names: c.1180G>C (NM_015910.5); c.703G>C, p.Val235Leu (NM_001042692.3); c.1108G>C, p.Val370Leu (NM_001354044.2); c.1180G>C, p.Val394Leu (NM_001354045.2); short protein forms V235L, V394L, V370L.
Identifiers: ClinVar variation 1488950 (VCV001488950.11), dbSNP rs1694385958, ClinGen allele CA347064974.

ClinVar aggregate classification (germline): Conflicting classifications of pathogenicity. Review status: criteria provided, conflicting classifications (1 of 4 stars). 4 submissions from 4 submitters: Uncertain significance (3); Likely benign (1). Last evaluated 2026-08-03.

Conditions:
Heart defect - tongue hamartoma - polysyndactyly syndrome. Also called: Congenital heart defects, hamartomas of tongue, and polysyndactyly. Identifiers: Orphanet 1338, MedGen C1857587, MONDO:0009008, OMIM 217085.
Bardet-Biedl syndrome 15 (BBS15). Identifiers: Orphanet 110, MedGen C3150127, MONDO:0014443, OMIM 615992.
Bardet-Biedl syndrome (BBS). Identifiers: Orphanet 110, MedGen C0752166, MONDO:0015229.
WDPCP-related disorder. Also called: WDPCP-related condition.

Allele frequency attached by ClinVar (database versions not stated): gnomAD exomes below 0.00001; TOPMed 0.00001.
gnomAD v4.1: 1 of 1,614,168 alleles (0.000062%); highest among the groups gnomAD compares: Admixed American, 0.0017%; no homozygotes.

Submissions (4):

PreventionGenetics, part of Exact Sciences
Classification: Uncertain significance for WDPCP-related condition. Last evaluated: 2026-08-03. Review status: criteria provided, single submitter. Criteria: ACMG Guidelines, 2015. Collection method: clinical testing. Allele origin: germline.
Comment: The WDPCP c.1180G>C variant is predicted to result in the amino acid substitution p.Val394Leu. To our knowledge, this variant has not been reported in the literature or in a large population database (gnomAD), indicating this variant is rare. At this time, the clinical significance of this variant is uncertain due to the absence of conclusive functional and genetic evidence.

CeGaT Center for Human Genetics Tuebingen
Classification: Likely benign. Last evaluated: 2026-07-01. Review status: criteria provided, single submitter. Criteria: CeGaT Center For Human Genetics Tuebingen Variant Classification Criteria Version 2. Collection method: clinical testing. Allele origin: germline. Affected: yes. Observed: 1 variant allele.
Comment: WDPCP: BP4

Fulgent Genetics
Classification: Uncertain significance for Heart defect - tongue hamartoma - polysyndactyly syndrome; Bardet-Biedl syndrome 15. Last evaluated: 2024-04-27. Review status: criteria provided, single submitter. Criteria: ACMG Guidelines, 2015. Collection method: clinical testing. Allele origin: germline.

Labcorp Genetics (formerly Invitae), Labcorp
Classification: Uncertain significance for Bardet-Biedl syndrome. Last evaluated: 2021-06-19. Review status: criteria provided, single submitter. Criteria: Invitae Variant Classification Sherloc (09022015). Collection method: clinical testing. Allele origin: germline.
Comment: In summary, the available evidence is currently insufficient to determine the role of this variant in disease. Therefore, it has been classified as a Variant of Uncertain Significance. Algorithms developed to predict the effect of missense changes on protein structure and function are either unavailable or do not agree on the potential impact of this missense change (SIFT: "Deleterious"; PolyPhen-2: "Benign"; Align-GVGD: "Class C25"). This variant has not been reported in the literature in individuals with WDPCP-related conditions. This variant is not present in population databases (ExAC no frequency). This sequence change replaces valine with leucine at codon 394 of the WDPCP protein (p.Val394Leu). The valine residue is highly conserved and there is a small physicochemical difference between valine and leucine.